The following is an entry in ClinVar:

ClinVar aggregate classification (germline): Pathogenic. Review status: criteria provided, multiple submitters, no conflicts (2 of 4 stars). 3 submissions from 3 submitters: Pathogenic (2). 1 of the submissions does not count toward it. Last evaluated 2024-03-14.

Conditions:
Tuberous sclerosis 2 (TSC2). Identifiers: Orphanet 805, MedGen C1860707, MONDO:0013199, OMIM 613254.
Tuberous sclerosis syndrome (TSC). Also called: Tuberous Sclerosis Complex; Tuberous sclerosis. Identifiers: Orphanet 805, MedGen C0041341, MONDO:0001734.

Submissions (3):

Labcorp Genetics (formerly Invitae), Labcorp
Classification: Pathogenic for Tuberous sclerosis 2. Last evaluated: 2024-03-14. Review status: criteria provided, single submitter. Criteria: Invitae Variant Classification Sherloc (09022015). Collection method: clinical testing. Allele origin: germline.
Comment: This sequence change creates a premature translational stop signal (p.Asp8Ilefs*4) in the TSC2 gene. It is expected to result in an absent or disrupted protein product. Loss-of-function variants in TSC2 are known to be pathogenic (PMID: 10205261, 17304050). This variant is not present in population databases (gnomAD no frequency). This variant has not been reported in the literature in individuals affected with TSC2-related conditions. ClinVar contains an entry for this variant (Variation ID: 49599). For these reasons, this variant has been classified as Pathogenic.

GeneDx
Classification: Pathogenic. Last evaluated: 2019-10-23. Review status: criteria provided, single submitter. Criteria: GeneDx Variant Classification Process June 2021. Collection method: clinical testing. Allele origin: germline. Affected: yes.
Comment: Frameshift variant predicted to result in protein truncation or nonsense mediated decay in a gene for which loss-of-function is a known mechanism of disease; Not observed in large population cohorts (Lek et al., 2016); Has not been previously published as pathogenic or benign to our knowledge

Tuberous sclerosis database (TSC2)
No classification provided. Condition: TSC. Review status: no classification provided. Criteria: Tuberous Sclerosis Database Assertion Criteria 2015. Collection method: curation. Allele origin: germline. Affected: yes. Not counted in ClinVar's aggregate classification.

Literature cited by the submitters: PubMed 10205261 (cited by Labcorp Genetics (formerly Invitae), Labcorp); PubMed 17304050 (cited by Labcorp Genetics (formerly Invitae), Labcorp).

NM_000548.5(TSC2):c.21del (p.Asp8fs)

Gene: TSC2 (TSC complex subunit 2; plus strand). Cytogenetic location: 16p13.3.
Variant type: Deletion.
Coding change: c.21del on transcript NM_000548.5 (MANE Select); coding-DNA position 21, one base deleted (A; older notation c.21delA).
Protein change: p.Asp8fs; shifts the reading frame from aspartic acid 8.
Molecular consequence: frameshift variant. On other transcripts: 5 prime UTR variant (1), intron variant (1).
Genome position (GRCh38, 1-based): chr16:2,048,636, A deleted; the last of 3 consecutive A bases (chr16:2,048,634-2,048,636); deleting any one gives the same sequence. VCF-style (leftmost placement, unchanged base first): chr16-2048633-CA-C. GRCh37 (hg19) VCF-style: chr16-2098634-CA-C.
Other names: c.21delA (NM_000548.3); c.21del, p.Asp8fs (NM_001114382.3, NM_001318827.2, NM_001363528.2 and 4 more transcripts); c.-206del (NM_001318831.2); c.54del, p.Asp19fs (NM_001318832.2); c.-10+571del (NM_001318829.2); short protein forms D19fs, D8fs.
Identifiers: ClinVar variation 49599 (VCV000049599.6), dbSNP rs137854019, ClinGen allele CA016919.